The following is an entry in ClinVar:

ClinVar aggregate classification (germline): Uncertain significance (1 of 4 stars; one submission).

Submission:

GeneDx
Classification: Uncertain significance. Last evaluated: 2025-04-09. Review status: criteria provided, single submitter. Criteria: GeneDx Variant Classification Process June 2021. Collection method: clinical testing. Allele origin: germline. Affected: yes.
Comment: Not observed at significant frequency in large population cohorts (gnomAD); In silico analysis supports a deleterious effect on protein structure/function; Has not been previously published as pathogenic or benign to our knowledge

NM_006087.4(TUBB4A):c.374_375inv (p.Glu125Ala)

Gene: TUBB4A (tubulin beta 4A class IVa; minus strand). Cytogenetic location: 19p13.3.
Variant type: Inversion.
Coding change: c.374_375inv on transcript NM_006087.4 (MANE Select).
Protein change: p.Glu125Ala; replaces glutamic acid 125 with alanine.
Molecular consequence: missense variant.
Genome position: GRCh38 VCF-style: chr19-6496124-CT-AG. GRCh37 (hg19) VCF-style: chr19-6496135-CT-AG.
Other names: c.527_528inv, p.Glu176Ala (NM_001289123.2); c.509_510inv, p.Glu170Ala (NM_001289127.2); c.374_375inv, p.Glu125Ala (NM_001289129.2); c.158_159inv, p.Glu53Ala (NM_001289130.2, NM_001289131.2); short protein forms E125A, E170A, E176A, E53A.
Identifiers: ClinVar variation 1307494 (VCV001307494.3), ClinGen allele CA2573054839.